The following is an entry in ClinVar:

NM_017780.4(CHD7):c.207del (p.Phe69fs)

Gene: CHD7 (chromodomain helicase DNA binding protein 7; plus strand). Cytogenetic location: 8q12.2.
Variant type: Deletion.
Coding change: c.207del on transcript NM_017780.4 (MANE Select); coding-DNA position 207, one base deleted (T; older notation c.207delT).
Protein change: p.Phe69fs; shifts the reading frame from phenylalanine 69.
Molecular consequence: frameshift variant.
Genome position (GRCh38, 1-based): chr8:60,741,639, T deleted; the last of 4 consecutive T bases (chr8:60,741,636-60,741,639); deleting any one gives the same sequence. VCF-style (leftmost placement, unchanged base first): chr8-60741635-AT-A. GRCh37 (hg19) VCF-style: chr8-61654194-AT-A.
Other names: c.207del (LRG_176t1); c.207del, p.Phe69fs (NM_001316690.1); short protein forms F69fs.
Identifiers: ClinVar variation 419492 (VCV000419492.2), dbSNP rs1064793909, ClinGen allele CA16618649.
Genomic context (GRCh38, chr8:60,741,635, plus strand): 5'-CCTCTTTACAGCCATCCCTTCATCATCCTTCAACTAATCAAAATCAAACAAAGCTGACAC[AT>A]TTTGATCACTATAATCAGTATGAACAACAAAAGATGCATCTGATGGATCAGCCGAACAGA-3'

ClinVar aggregate classification (germline): Pathogenic (1 of 4 stars; one submission).

Submission:

GeneDx
Classification: Pathogenic. Last evaluated: 2015-08-17. Review status: criteria provided, single submitter. Criteria: GeneDx Variant Classification (06012015). Collection method: clinical testing. Allele origin: germline. Affected: yes.
Comment: The c.207delT deletion in the CHD7 gene has not been reported previously as a pathogenic variant noras a benign polymorphism, to our knowledge. The c.207delT deletion causes a frameshift starting withcodon Phenylalanine 69, changes this amino acid to a Leucine residue, and creates a premature Stop codon atposition 14 of the new reading frame, denoted p.Phe69LeufsX14. This variant is predicted to cause loss ofnormal protein function either through protein truncation or nonsense-mediated mRNA decay. The c.207delTdeletion was not observed in approximately 6,300 individuals of European and African American ancestry inthe NHLBI Exome Sequencing Project, indicating it is not a common benign variant in these populations. Weinterpret c.207delT as a pathogenic variant.